The following is an entry in ClinVar:

NM_001195263.2(PDZD7):c.2481T>G (p.Asp827Glu)

Gene: PDZD7 (PDZ domain containing 7; minus strand). Cytogenetic location: 10q24.31.
Variant type: single nucleotide variant.
Coding change: c.2481T>G on transcript NM_001195263.2 (MANE Select); coding-DNA position 2481, T replaced by G.
Protein change: p.Asp827Glu; replaces aspartic acid 827 with glutamic acid.
Molecular consequence: missense variant.
Genome position (GRCh38, 1-based): chr10:101,010,408, A>C on the plus strand (T>G on the coding strand, the complement: PDZD7 is on the minus strand). VCF-style: chr10-101010408-A-C. GRCh37 (hg19) VCF-style: chr10-102770165-A-C.
Other names: short protein forms D827E.
Identifiers: ClinVar variation 430143 (VCV000430143.10), dbSNP rs950755620, ClinGen allele CA212978487.
Genomic context (GRCh38, chr10:101,010,408, plus strand): 5'-CGTCCCCTCAGTTCCACTCTCCGAGGGCCCTTGCTTGGCCCCCACCTTGGCTGCCTCCCC[A>C]TCCAGAGGTCGTGGCAGAGGGGGTCTGGCCTTCCGAGGCTTGTGGTAGCGCCCATTGGTC-3'
Protein context (NP_001182192.1, residues 817-837): KARPPLPRPL[Asp827Glu]GEAAKVGAKQ

ClinVar aggregate classification (germline): Uncertain significance. Review status: criteria provided, multiple submitters, no conflicts (2 of 4 stars). 2 submissions from 2 submitters: Uncertain significance (2). Last evaluated 2022-03-10.

Allele frequency attached by ClinVar (database versions not stated): gnomAD 0.00001 and 0.00002; gnomAD exomes 0.00002; TOPMed 0.00003.

Submissions (2):

Labcorp Genetics (formerly Invitae), Labcorp
Classification: Uncertain significance. Last evaluated: 2022-03-10. Review status: criteria provided, single submitter. Criteria: Invitae Variant Classification Sherloc (09022015). Collection method: clinical testing. Allele origin: germline.
Comment: In summary, the available evidence is currently insufficient to determine the role of this variant in disease. Therefore, it has been classified as a Variant of Uncertain Significance. Algorithms developed to predict the effect of missense changes on protein structure and function are either unavailable or do not agree on the potential impact of this missense change (SIFT: "Tolerated"; PolyPhen-2: "Not Available"; Align-GVGD: "Class C0"). ClinVar contains an entry for this variant (Variation ID: 430143). This variant has not been reported in the literature in individuals affected with PDZD7-related conditions. This variant is present in population databases (no rsID available, gnomAD 0.006%). This sequence change replaces aspartic acid, which is acidic and polar, with glutamic acid, which is acidic and polar, at codon 827 of the PDZD7 protein (p.Asp827Glu).

GeneDx
Classification: Uncertain significance. Last evaluated: 2017-05-12. Review status: criteria provided, single submitter. Criteria: GeneDx Variant Classification (06012015). Collection method: clinical testing. Allele origin: germline. Affected: yes.
Comment: The D827E variant in the PDZD7 gene has not been reported previously as a pathogenic variant, nor as a benign variant, to our knowledge. Adequate data is not available in large population cohorts to assess the frequency of this variant in publicly available databases; however, this variant has not been detected at a significant frequency in presumably healthy individuals tested at GeneDx. The D827E variant is a conservative amino acid substitution, which is not likely to impact secondary protein structure as these residues share similar properties. This substitution occurs at a position that is not conserved, and in silico analysis predicts this variant likely does not alter the protein structure/function. We interpret D827E as a variant of uncertain significance.